The following is an entry in ClinVar:

ClinVar aggregate classification (germline): Uncertain significance. Review status: criteria provided, multiple submitters, no conflicts (2 of 4 stars). 4 submissions from 4 submitters: Uncertain significance (3). 1 of the submissions does not count toward it. Last evaluated 2025-05-19.

Conditions:
Inborn genetic diseases. Identifiers: MedGen C0950123, MeSH D030342.
Nemaline myopathy 2 (NEM2). Also called: Nemaline myopathy 2, autosomal recessive. Identifiers: MedGen C1850569, MONDO:0009725, OMIM 256030.

Allele frequency attached by ClinVar (database versions not stated): gnomAD 0.00001; gnomAD exomes 0.00001; TOPMed 0.00001; ExAC 0.00002.
gnomAD v4.1: 17 of 1,613,794 alleles (0.0011%); highest among the groups gnomAD compares: African/African-American, 0.0027%; no homozygotes.

Submissions (4):

Ambry Genetics
Classification: Uncertain significance for Inborn genetic diseases. Last evaluated: 2025-05-19. Review status: criteria provided, single submitter. Criteria: Ambry Variant Classification Scheme 2023. Collection method: clinical testing. Allele origin: germline.

Labcorp Genetics (formerly Invitae), Labcorp
Classification: Uncertain significance for Nemaline myopathy 2. Last evaluated: 2023-12-18. Review status: criteria provided, single submitter. Criteria: Invitae Variant Classification Sherloc (09022015). Collection method: clinical testing. Allele origin: germline.
Comment: This sequence change replaces proline, which is neutral and non-polar, with leucine, which is neutral and non-polar, at codon 2846 of the NEB protein (p.Pro2846Leu). This variant is present in population databases (rs765207403, gnomAD 0.003%). This variant has not been reported in the literature in individuals affected with NEB-related conditions. ClinVar contains an entry for this variant (Variation ID: 861118). Experimental studies and prediction algorithms are not available or were not evaluated, and the functional significance of this variant is currently unknown. In summary, the available evidence is currently insufficient to determine the role of this variant in disease. Therefore, it has been classified as a Variant of Uncertain Significance.

Revvity Omics, Revvity
Classification: Uncertain significance. Last evaluated: 2019-12-02. Review status: criteria provided, single submitter. Criteria: ACMG Guidelines, 2015. Collection method: clinical testing. Allele origin: germline.

Natera, Inc.
Classification: Uncertain significance for Nemaline myopathy type 2. Last evaluated: 2021-07-27. Review status: no assertion criteria provided. Collection method: clinical testing. Allele origin: germline. Not counted in ClinVar's aggregate classification.

NM_001164508.2(NEB):c.8537C>T (p.Pro2846Leu)

Gene: NEB (nebulin; minus strand). Cytogenetic location: 2q23.3.
Variant type: single nucleotide variant.
Coding change: c.8537C>T on transcript NM_001164508.2 (MANE Select); coding-DNA position 8537, C replaced by T.
Protein change: p.Pro2846Leu; replaces proline 2846 with leucine.
Molecular consequence: missense variant.
Genome position (GRCh38, 1-based): chr2:151,640,503, G>A on the plus strand (C>T on the coding strand, the complement: NEB is on the minus strand). VCF-style: chr2-151640503-G-A. GRCh37 (hg19) VCF-style: chr2-152497017-G-A.
Other names: c.8537C>T, p.Pro2846Leu (NM_001164507.2, NM_001271208.2, NM_004543.5); c.8537C>T (NM_004543.4); short protein forms P2846L.
Identifiers: ClinVar variation 861118 (VCV000861118.17), dbSNP rs765207403, ClinGen allele CA1909562.